The following is an entry in ClinVar:

NM_000051.4(ATM):c.6025T>A (p.Tyr2009Asn)

Genes: ATM (ATM serine/threonine kinase; plus strand), C11orf65 (chromosome 11 open reading frame 65; minus strand). Cytogenetic location: 11q22.3.
Variant type: single nucleotide variant.
Coding change: c.6025T>A on transcript NM_000051.4 (MANE Select); coding-DNA position 6025, T replaced by A.
Protein change: p.Tyr2009Asn; replaces tyrosine 2009 with asparagine.
Molecular consequence: missense variant. On other transcripts: intron variant (2).
Genome position (GRCh38, 1-based): chr11:108,315,841, T>A. VCF-style: chr11-108315841-T-A. GRCh37 (hg19) VCF-style: chr11-108186568-T-A.
Other names: c.6025T>A, p.Tyr2009Asn (NM_001351834.2); c.641-6770A>T (NM_001330368.2); c.*39-6770A>T (NM_001351110.2); short protein forms Y2009N.
Identifiers: ClinVar variation 1055732 (VCV001055732.7), dbSNP rs199586999, ClinGen allele CA382549861.

ClinVar aggregate classification (germline): Uncertain significance (1 of 4 stars; one submission).

Conditions:
Ataxia-telangiectasia syndrome (AT). Also called: Ataxia telangiectasia (A-T); ATAXIA-TELANGIECTASIA, COMPLEMENTATION GROUP A; ATAXIA-TELANGIECTASIA, FRESNO VARIANT; Ataxia-telangiectasia; Ataxia-telangiectasia, complementation group E; LOUIS-BAR SYNDROME. Identifiers: Orphanet 100, MedGen C0004135, MONDO:0008840, OMIM 208900.

Submission:

Labcorp Genetics (formerly Invitae), Labcorp
Classification: Uncertain significance for Ataxia-telangiectasia syndrome. Last evaluated: 2021-08-31. Review status: criteria provided, single submitter. Criteria: Invitae Variant Classification Sherloc (09022015). Collection method: clinical testing. Allele origin: germline.
Comment: This sequence change replaces tyrosine with asparagine at codon 2009 of the ATM protein (p.Tyr2009Asn). The tyrosine residue is highly conserved and there is a large physicochemical difference between tyrosine and asparagine. This variant is not present in population databases (ExAC no frequency). This variant has not been reported in the literature in individuals affected with ATM-related conditions. Advanced modeling of protein sequence and biophysical properties (such as structural, functional, and spatial information, amino acid conservation, physicochemical variation, residue mobility, and thermodynamic stability) performed at Invitae indicates that this missense variant is not expected to disrupt ATM protein function. In summary, the available evidence is currently insufficient to determine the role of this variant in disease. Therefore, it has been classified as a Variant of Uncertain Significance.